The following is an entry in ClinVar:

NM_001101362.3(KBTBD13):c.1248C>G (p.Ile416Met)

Gene: KBTBD13 (kelch repeat and BTB domain containing 13; plus strand). Cytogenetic location: 15q22.31.
Variant type: single nucleotide variant.
Coding change: c.1248C>G on transcript NM_001101362.3 (MANE Select); coding-DNA position 1248, C replaced by G.
Protein change: p.Ile416Met; replaces isoleucine 416 with methionine.
Molecular consequence: missense variant.
Genome position (GRCh38, 1-based): chr15:65,078,063, C>G. VCF-style: chr15-65078063-C-G. GRCh37 (hg19) VCF-style: chr15-65370401-C-G.
Other names: short protein forms I416M.
Identifiers: ClinVar variation 464343 (VCV000464343.10), dbSNP rs1291680168, ClinGen allele CA392866973.

ClinVar aggregate classification (germline): Uncertain significance. Review status: criteria provided, multiple submitters, no conflicts (2 of 4 stars). 2 submissions from 2 submitters: Uncertain significance (2). Last evaluated 2024-05-24.

Conditions:
Nemaline myopathy 6 (NEM6). Also called: Nemaline myopathy 6, autosomal dominant. Identifiers: Orphanet 171439, MedGen C1836472, MONDO:0012237, OMIM 609273.

Allele frequency attached by ClinVar (database versions not stated): gnomAD 0.00001; TOPMed 0.00001.
gnomAD v4.1: 1 of 1,600,294 alleles (0.000062%); highest among the groups gnomAD compares: African/African-American, 0.0013%; no homozygotes.

Submissions (2):

Labcorp Genetics (formerly Invitae), Labcorp
Classification: Uncertain significance for Nemaline myopathy 6. Last evaluated: 2024-05-24. Review status: criteria provided, single submitter. Criteria: Invitae Variant Classification Sherloc (09022015). Collection method: clinical testing. Allele origin: germline.
Comment: This sequence change replaces isoleucine, which is neutral and non-polar, with methionine, which is neutral and non-polar, at codon 416 of the KBTBD13 protein (p.Ile416Met). This variant is not present in population databases (gnomAD no frequency). This variant has not been reported in the literature in individuals affected with KBTBD13-related conditions. ClinVar contains an entry for this variant (Variation ID: 464343). An algorithm developed to predict the effect of missense changes on protein structure and function (PolyPhen-2) suggests that this variant is likely to be disruptive. In summary, the available evidence is currently insufficient to determine the role of this variant in disease. Therefore, it has been classified as a Variant of Uncertain Significance.

Revvity Omics, Revvity
Classification: Uncertain significance for Nemaline myopathy 6. Last evaluated: 2023-10-09. Review status: criteria provided, single submitter. Criteria: ACMG Guidelines, 2015. Collection method: clinical testing. Allele origin: germline.